The following is an entry in ClinVar:

NM_000038.6(APC):c.6882G>A (p.Gly2294=)

Gene: APC (APC regulator of Wnt signaling pathway; plus strand). Cytogenetic location: 5q22.2.
Variant type: single nucleotide variant.
Coding change: c.6882G>A on transcript NM_000038.6 (MANE Select); coding-DNA position 6882, G replaced by A.
Protein change: p.Gly2294=; no amino-acid change (glycine 2294 retained).
Molecular consequence: synonymous variant. On other transcripts: non-coding transcript variant (2).
Genome position (GRCh38, 1-based): chr5:112,842,476, G>A. VCF-style: chr5-112842476-G-A. GRCh37 (hg19) VCF-style: chr5-112178173-G-A.
Other names: c.6882G>A, p.Gly2294= (NM_001127510.3, NM_001354895.2, NM_001407450.1); c.6828G>A, p.Gly2276= (NM_001127511.3); c.6936G>A, p.Gly2312= (NM_001354896.2, NM_001407447.1, NM_001407448.1 and 1 more transcripts); c.6912G>A, p.Gly2304= (NM_001354897.2); c.6807G>A, p.Gly2269= (NM_001354898.2); c.6798G>A, p.Gly2266= (NM_001354899.2); c.6759G>A, p.Gly2253= (NM_001354900.2); c.6705G>A, p.Gly2235= (NM_001354901.2, NM_001407453.1); and 11 more.
Identifiers: ClinVar variation 3254087 (VCV003254087.1), dbSNP rs2149975377.

ClinVar aggregate classification (germline): Benign (1 of 4 stars; one submission).

Conditions:
Familial adenomatous polyposis 1 (FAP1). Also called: FAMILIAL ADENOMATOUS POLYPOSIS 1, ATTENUATED; POLYPOSIS, ADENOMATOUS INTESTINAL. Identifiers: MedGen C2713442, MONDO:0021056, OMIM 175100. Disease mechanism: loss of function.

Submission:

Myriad Genetics, Inc.
Classification: Benign for Familial adenomatous polyposis 1. Last evaluated: 2024-04-05. Review status: criteria provided, single submitter. Criteria: Myriad Autosomal Dominant, Autosomal Recessive and X-Linked Classification Criteria (2023). Collection method: clinical testing. Allele origin: unknown.
Comment: This variant is considered benign. This variant is a silent/synonymous amino acid change and it is not expected to impact splicing.